The following is an entry in ClinVar:

NM_019120.5(PCDHB8):c.2169G>A (p.Val723=)

Genes: PCDHB8 (protocadherin beta 8; plus strand), PCDHB@ (protocadherin beta cluster; plus strand). Cytogenetic location: 5q31.3.
Variant type: single nucleotide variant.
Coding change: c.2169G>A on transcript NM_019120.5 (MANE Select); coding-DNA position 2169, G replaced by A.
Protein change: p.Val723=; no amino-acid change (valine 723 retained).
Molecular consequence: synonymous variant.
Genome position (GRCh38, 1-based): chr5:141,180,203, G>A. VCF-style: chr5-141180203-G-A. GRCh37 (hg19) VCF-style: chr5-140559784-G-A.
Identifiers: ClinVar variation 4821296 (VCV004821296.4).

ClinVar aggregate classification (germline): Likely benign (1 of 4 stars; one submission).

Submission:

CeGaT Center for Human Genetics Tuebingen
Classification: Likely benign. Last evaluated: 2026-02-01. Review status: criteria provided, single submitter. Criteria: CeGaT Center For Human Genetics Tuebingen Variant Classification Criteria Version 2. Collection method: clinical testing. Allele origin: germline. Affected: yes. Observed: 1 variant allele.
Comment: PCDHB8: BP4, BP7